The following is an entry in ClinVar:

ClinVar aggregate classification (germline): Pathogenic (1 of 4 stars; one submission).

Conditions:
Mowat-Wilson syndrome (MOWS). Also called: Classic Mowat-Wilson Syndrome. Identifiers: Orphanet 2152, MedGen C1856113, MONDO:0009341, OMIM 235730.

Submission:

Pittsburgh Clinical Genomics Laboratory, University of Pittsburgh Medical Center
Classification: Pathogenic for Mowat-Wilson syndrome. Last evaluated: 2023-11-15. Review status: criteria provided, single submitter. Criteria: ACMG Guidelines, 2015. Collection method: clinical testing. Allele origin: germline. Inheritance: Autosomal dominant inheritance. Affected: yes.
Comment: This sequence variant is a single nucleotide deletion (delA) in exon 6 of 10 of the ZEB2 gene that results in an early termination signal 10 codons downstream of the frameshift at Lys264. This variant is predicted to generate a non-functional allele through either the expression of a truncated protein or a loss of zinc finger E-box binding homeobox 2 expression due to nonsense-mediated decay. This variant is absent from ClinVar and has not been observed in individuals affected by ZEB2-related disorders in the published literature, to our knowledge. This variant is absent from the gnomAD population database (0/628,776 alleles). Haploinsufficiency in ZEB2 is a known mechanism of disease (PMID: 16053902, 19842203, 25123255). Based upon the evidence, we consider this variant to be pathogenic. ACMG Criteria: BP5, PM2, PS2, PVS1

Literature cited by the submitters: PubMed 25123255; PubMed 19842203; PubMed 16053902.

NM_014795.4(ZEB2):c.791del (p.Lys264fs)

Gene: ZEB2 (zinc finger E-box binding homeobox 2; minus strand). Cytogenetic location: 2q22.3.
Variant type: Deletion.
Coding change: c.791del on transcript NM_014795.4 (MANE Select); coding-DNA position 791, one base deleted (A; older notation c.791delA).
Protein change: p.Lys264fs; shifts the reading frame from lysine 264.
Molecular consequence: frameshift variant.
Genome position (GRCh38, 1-based): chr2:144,403,932, T deleted on the plus strand (A on the coding strand, the reverse complement: ZEB2 is on the minus strand); the first of 2 consecutive T bases (chr2:144,403,932-144,403,933); deleting either gives the same sequence. VCF-style (leftmost placement, unchanged base first): chr2-144403931-CT-C. GRCh37 (hg19) VCF-style: chr2-145161498-CT-C.
Other names: c.719del, p.Lys240fs (NM_001171653.2); short protein forms K240fs, K264fs.
Identifiers: ClinVar variation 3376412 (VCV003376412.1).